The following is an entry in ClinVar:

ClinVar aggregate classification (germline): Pathogenic (1 of 4 stars; one submission).

Conditions:
Cohen syndrome (COH1). Also called: PEPPER SYNDROME; Cutis verticis gyrata, retinitis pigmentosa, and sensorineural deafness. Identifiers: Orphanet 193, MedGen C0265223, MONDO:0008999, OMIM 216550.

Submission:

Labcorp Genetics (formerly Invitae), Labcorp
Classification: Pathogenic for Cohen syndrome. Last evaluated: 2023-10-04. Review status: criteria provided, single submitter. Criteria: Invitae Variant Classification Sherloc (09022015). Collection method: clinical testing. Allele origin: germline.
Comment: This sequence change creates a premature translational stop signal (p.Thr2697Ilefs*45) in the VPS13B gene. It is expected to result in an absent or disrupted protein product. Loss-of-function variants in VPS13B are known to be pathogenic (PMID: 15141358, 16648375, 20461111). This variant is not present in population databases (gnomAD no frequency). This variant has not been reported in the literature in individuals affected with VPS13B-related conditions. For these reasons, this variant has been classified as Pathogenic.

Literature cited by the submitters: PubMed 15141358; PubMed 16648375; PubMed 20461111.

NM_152564.5(VPS13B):c.8015del (p.Thr2672fs)

Gene: VPS13B (vacuolar protein sorting 13 homolog B; plus strand). Cytogenetic location: 8q22.2.
Variant type: Deletion.
Coding change: c.8015del on transcript NM_152564.5 (MANE Select); coding-DNA position 8015, one base deleted (C; older notation c.8015delC).
Protein change: p.Thr2672fs; shifts the reading frame from threonine 2672.
Molecular consequence: frameshift variant.
Genome position (GRCh38, 1-based): chr8:99,809,448, C deleted. VCF-style (leftmost placement, unchanged base first): chr8-99809447-AC-A. GRCh37 (hg19) VCF-style: chr8-100821675-AC-A.
Other names: c.8090del, p.Thr2697fs (NM_017890.5); short protein forms T2697fs, T2672fs.
Identifiers: ClinVar variation 2790537 (VCV002790537.3), dbSNP rs2491976835, ClinGen allele CA2739265777.